The following is an entry in ClinVar:

NM_030948.6(PHACTR1):c.664+2189A>C

Gene: PHACTR1 (phosphatase and actin regulator 1; plus strand). Cytogenetic location: 6p24.1.
Variant type: single nucleotide variant.
Coding change: c.664+2189A>C on transcript NM_030948.6 (MANE Select); 2189 bases into the intron after coding-DNA position 664, A replaced by C.
Molecular consequence: intron variant. On other transcripts: synonymous variant (4).
Genome position (GRCh38, 1-based): chr6:13,184,875, A>C. VCF-style: chr6-13184875-A-C. GRCh37 (hg19) VCF-style: chr6-13185107-A-C.
Other names: c.741A>C, p.Leu247= (NM_001322310.2, NM_001374582.1); c.465A>C, p.Leu155= (NM_001322313.2); c.744A>C, p.Leu248= (NM_001322314.4); c.664+2189A>C (NM_001242648.4, NM_001374581.2, NM_001322308.3 and 1 more transcripts); c.388+2189A>C (NM_001322312.3, NM_001322311.2, NM_001374583.2).
Identifiers: ClinVar variation 3033852 (VCV003033852.2), dbSNP rs77998548, ClinGen allele CA3639109.

ClinVar aggregate classification (germline): Benign (0 of 4 stars; one submission).

Conditions:
PHACTR1-related disorder. Also called: PHACTR1-related condition.

Allele frequency attached by ClinVar (database versions not stated): ExAC 0.00194; ESP Exome Variant Server 0.00610; gnomAD 0.00742; 1000 Genomes Project 0.00759; TOPMed 0.00838; 1000 Genomes Project 30x 0.00937.
gnomAD v4.1: 1,941 of 1,366,534 alleles (0.14%); highest among the groups gnomAD compares: African/African-American, 2.6%; 27 homozygotes.

Submission:

PreventionGenetics, part of Exact Sciences
Classification: Benign for PHACTR1-related condition. Last evaluated: 2019-06-10. Review status: no assertion criteria provided. Collection method: clinical testing. Allele origin: germline.
Comment: This variant is classified as benign based on ACMG/AMP sequence variant interpretation guidelines (Richards et al. 2015 PMID: 25741868, with internal and published modifications).